The following is an entry in ClinVar:

NM_004132.5(HABP2):c.497C>T (p.Ser166Phe)

Gene: HABP2 (hyaluronan binding protein 2; plus strand). Cytogenetic location: 10q25.3.
Variant type: single nucleotide variant.
Coding change: c.497C>T on transcript NM_004132.5 (MANE Select); coding-DNA position 497, C replaced by T.
Protein change: p.Ser166Phe; replaces serine 166 with phenylalanine.
Molecular consequence: missense variant.
Genome position (GRCh38, 1-based): chr10:113,578,074, C>T. VCF-style: chr10-113578074-C-T. GRCh37 (hg19) VCF-style: chr10-115337833-C-T.
Other names: c.419C>T, p.Ser140Phe (NM_001177660.3); short protein forms S166F, S140F.
Identifiers: ClinVar variation 298903 (VCV000298903.5), dbSNP rs142936446, ClinGen allele CA5693650.
Genomic context (GRCh38, chr10:113,578,074, plus strand): 5'-CTGTGTTCACAGTGGTTCCTGTATGCAGGCCAAACCCCTGCCAGAATGGGGCTACCTGCT[C>T]CCGGCATAAGCGGAGATCCAAGTTCACCTGTGCCTGTCCCGACCAGTTCAAGGGGAAATT-3'
Protein context (NP_004123.1, residues 156-176): PNPCQNGATC[Ser166Phe]RHKRRSKFTC

ClinVar aggregate classification (germline): Likely benign (1 of 4 stars; one submission).

Conditions:
Factor VII-activating protease marburg I. Identifiers: MedGen CN068943.

Allele frequency attached by ClinVar (database versions not stated): gnomAD exomes 0.00114 and 0.00142; ExAC 0.00117; ESP Exome Variant Server 0.00146; TOPMed 0.00184; 1000 Genomes Project 30x 0.00203; 1000 Genomes Project 0.00220.
gnomAD v4.1: 2,289 of 1,614,134 alleles (0.14%); highest among the groups gnomAD compares: Admixed American, 0.36%; 3 homozygotes.

Submission:

Illumina Laboratory Services, Illumina
Classification: Likely benign for Factor VII Marburg I Variant Thrombophilia. Last evaluated: 2018-01-13. Review status: criteria provided, single submitter. Criteria: ICSL Variant Classification Criteria 13 December 2019. Collection method: clinical testing. Allele origin: germline.
Comment: This variant was observed in the ICSL laboratory as part of a predisposition screen in an ostensibly healthy population. It had not been previously curated by ICSL or reported in the Human Gene Mutation Database (HGMD: prior to June 1st, 2018), and was therefore a candidate for classification through an automated scoring system. Utilizing variant allele frequency, disease prevalence and penetrance estimates, and inheritance mode, an automated score was calculated to assess if this variant is too frequent to cause the disease. Based on the score and internal cut-off values, a variant classified as likely benign is not then subjected to further curation. The score for this variant resulted in a classification of likely benign for this disease.